The following is an entry in ClinVar:

NM_001256789.3(CACNA1F):c.2406G>A (p.Glu802=)

Gene: CACNA1F (calcium voltage-gated channel subunit alpha1 F; minus strand). Cytogenetic location: Xp11.23.
Variant type: single nucleotide variant.
Coding change: c.2406G>A on transcript NM_001256789.3 (MANE Select); coding-DNA position 2406, G replaced by A.
Protein change: p.Glu802=; no amino-acid change (glutamic acid 802 retained).
Molecular consequence: synonymous variant.
Genome position (GRCh38, 1-based): chrX:49,219,771, C>T on the plus strand (G>A on the coding strand, the complement: CACNA1F is on the minus strand). VCF-style: chrX-49219771-C-T. GRCh37 (hg19) VCF-style: chrX-49076230-C-T.
Other names: c.2244G>A, p.Glu748= (NM_001256790.3); c.2439G>A, p.Glu813= (NM_005183.4).
Identifiers: ClinVar variation 2660520 (VCV002660520.27), dbSNP rs185037790, ClinGen allele CA329141790.

ClinVar aggregate classification (germline): Likely benign. Review status: criteria provided, multiple submitters, no conflicts (2 of 4 stars). 3 submissions from 3 submitters: Likely benign (3). Last evaluated 2025-06-24.

Allele frequency attached by ClinVar (database versions not stated): gnomAD 0.00001; gnomAD exomes 0.00001; 1000 Genomes Project 0.00053.
gnomAD v4.1: 10 of 1,090,161 alleles (0.00092%); highest among the groups gnomAD compares: South Asian, 0.0098%; no homozygotes.

Submissions (3):

Labcorp Genetics (formerly Invitae), Labcorp
Classification: Likely benign. Last evaluated: 2025-06-24. Review status: criteria provided, single submitter. Criteria: Invitae Variant Classification Sherloc (09022015). Collection method: clinical testing. Allele origin: germline.

CeGaT Center for Human Genetics Tuebingen
Classification: Likely benign. Last evaluated: 2023-04-01. Review status: criteria provided, single submitter. Criteria: CeGaT Center For Human Genetics Tuebingen Variant Classification Criteria Version 2. Collection method: clinical testing. Allele origin: germline. Affected: yes. Observed: 1 variant allele.
Comment: CACNA1F: BP4, BP7

Blueprint Genetics
Classification: Likely benign. Last evaluated: 2022-05-25. Review status: criteria provided, single submitter. Criteria: ACMG Guidelines, 2015. Collection method: clinical testing. Allele origin: germline.